The following is an entry in ClinVar:

NM_000316.3(PTH1R):c.379G>A (p.Val127Met)

Genes: PTH1R (parathyroid hormone 1 receptor; plus strand), LOC129936652 (ATAC-STARR-seq lymphoblastoid silent region 14297; plus strand). Cytogenetic location: 3p21.31.
Variant type: single nucleotide variant.
Coding change: c.379G>A on transcript NM_000316.3 (MANE Select); coding-DNA position 379, G replaced by A.
Protein change: p.Val127Met; replaces valine 127 with methionine.
Molecular consequence: missense variant.
Genome position (GRCh38, 1-based): chr3:46,897,920, G>A. VCF-style: chr3-46897920-G-A. GRCh37 (hg19) VCF-style: chr3-46939410-G-A.
Other names: c.379G>A, p.Val127Met (NM_001184744.1); short protein forms V127M.
Identifiers: ClinVar variation 1949239 (VCV001949239.5), dbSNP rs2545036867, ClinGen allele CA352494360.

ClinVar aggregate classification (germline): Uncertain significance (1 of 4 stars; one submission).

Submission:

Labcorp Genetics (formerly Invitae), Labcorp
Classification: Uncertain significance. Last evaluated: 2025-05-12. Review status: criteria provided, single submitter. Criteria: Invitae Variant Classification Sherloc (09022015). Collection method: clinical testing. Allele origin: germline.
Comment: This sequence change replaces valine, which is neutral and non-polar, with methionine, which is neutral and non-polar, at codon 127 of the PTH1R protein (p.Val127Met). This variant is not present in population databases (gnomAD no frequency). This variant has not been reported in the literature in individuals affected with PTH1R-related conditions. ClinVar contains an entry for this variant (Variation ID: 1949239). Invitae Evidence Modeling of protein sequence and biophysical properties (such as structural, functional, and spatial information, amino acid conservation, physicochemical variation, residue mobility, and thermodynamic stability) indicates that this missense variant is not expected to disrupt PTH1R protein function with a negative predictive value of 80%. In summary, the available evidence is currently insufficient to determine the role of this variant in disease. Therefore, it has been classified as a Variant of Uncertain Significance.